The following is an entry in ClinVar:

ClinVar aggregate classification (germline): Uncertain significance (1 of 4 stars; one submission).

Allele frequency attached by ClinVar (database versions not stated): ExAC 0.00006; gnomAD exomes 0.00006 and 0.00001; 1000 Genomes Project 30x 0.00031; gnomAD 0.00004; TOPMed 0.00004; 1000 Genomes Project 0.00040.

Submission:

Labcorp Genetics (formerly Invitae), Labcorp
Classification: Uncertain significance. Last evaluated: 2024-09-27. Review status: criteria provided, single submitter. Criteria: Invitae Variant Classification Sherloc (09022015). Collection method: clinical testing. Allele origin: germline.
Comment: This sequence change replaces alanine, which is neutral and non-polar, with valine, which is neutral and non-polar, at codon 19 of the TUBA8 protein (p.Ala19Val). This variant is present in population databases (rs191820007, gnomAD 0.08%), and has an allele count higher than expected for a pathogenic variant. This variant has not been reported in the literature in individuals affected with TUBA8-related conditions. ClinVar contains an entry for this variant (Variation ID: 1418256). Invitae Evidence Modeling of protein sequence and biophysical properties (such as structural, functional, and spatial information, amino acid conservation, physicochemical variation, residue mobility, and thermodynamic stability) has been performed for this missense variant. However, the output from this modeling did not meet the statistical confidence thresholds required to predict the impact of this variant on TUBA8 protein function. In summary, the available evidence is currently insufficient to determine the role of this variant in disease. Therefore, it has been classified as a Variant of Uncertain Significance.

NM_018943.3(TUBA8):c.56C>T (p.Ala19Val)

Gene: TUBA8 (tubulin alpha 8; plus strand). Cytogenetic location: 22q11.21.
Variant type: single nucleotide variant.
Coding change: c.56C>T on transcript NM_018943.3 (MANE Select); coding-DNA position 56, C replaced by T.
Protein change: p.Ala19Val; replaces alanine 19 with valine.
Molecular consequence: missense variant. On other transcripts: 5 prime UTR variant (1).
Genome position (GRCh38, 1-based): chr22:18,121,531, C>T. VCF-style: chr22-18121531-C-T. GRCh37 (hg19) VCF-style: chr22-18604298-C-T.
Other names: c.-143C>T (NM_001193414.2); short protein forms A19V.
Identifiers: ClinVar variation 1418256 (VCV001418256.8), dbSNP rs191820007, ClinGen allele CA10093572.